The following is an entry in ClinVar:

ClinVar aggregate classification (germline): Uncertain significance (1 of 4 stars; one submission).

Conditions:
Ataxia-telangiectasia syndrome (AT). Also called: Ataxia-telangiectasia, complementation group E; Ataxia telangiectasia (A-T); LOUIS-BAR SYNDROME; Ataxia-telangiectasia, complementation group D; AT, COMPLEMENTATION GROUP C; ATAXIA-TELANGIECTASIA, COMPLEMENTATION GROUP A. Identifiers: Orphanet 100, MedGen C0004135, MONDO:0008840, OMIM 208900.

gnomAD v4.1: 3 of 1,613,382 alleles (0.00019%); highest among the groups gnomAD compares: Non-Finnish European, 0.00025%; no homozygotes.

Submission:

Labcorp Genetics (formerly Invitae), Labcorp
Classification: Uncertain significance for Ataxia-telangiectasia syndrome. Last evaluated: 2025-10-23. Review status: criteria provided, single submitter. Criteria: Invitae Variant Classification Sherloc (09022015). Collection method: clinical testing. Allele origin: germline.
Comment: This sequence change replaces isoleucine, which is neutral and non-polar, with valine, which is neutral and non-polar, at codon 1469 of the ATM protein (p.Ile1469Val). This variant is not present in population databases (gnomAD no frequency). This variant has not been reported in the literature in individuals affected with ATM-related conditions. Invitae Evidence Modeling of protein sequence and biophysical properties (such as structural, functional, and spatial information, amino acid conservation, physicochemical variation, residue mobility, and thermodynamic stability) indicates that this missense variant is not expected to disrupt ATM protein function with a negative predictive value of 95%. In summary, the available evidence is currently insufficient to determine the role of this variant in disease. Therefore, it has been classified as a Variant of Uncertain Significance.

NM_000051.4(ATM):c.4405A>G (p.Ile1469Val)

Gene: ATM (ATM serine/threonine kinase; plus strand). Cytogenetic location: 11q22.3.
Variant type: single nucleotide variant.
Coding change: c.4405A>G on transcript NM_000051.4 (MANE Select); coding-DNA position 4405, A replaced by G.
Protein change: p.Ile1469Val; replaces isoleucine 1469 with valine.
Molecular consequence: missense variant.
Genome position (GRCh38, 1-based): chr11:108,289,770, A>G. VCF-style: chr11-108289770-A-G. GRCh37 (hg19) VCF-style: chr11-108160497-A-G.
Other names: c.4405A>G, p.Ile1469Val (NM_001351834.2); short protein forms I1469V.
Identifiers: ClinVar variation 4810399 (VCV004810399.1).
Genomic context (GRCh38, chr11:108,289,770, plus strand): 5'-TTACTGAAAGATATAAAAAGTGGCTTAGGAGGAGCTTGGGCCTTTGTTCTTCGAGACGTT[A>G]TTTATACTTTGATTCACTATATCAACCAAAGGTAAATAACATATTTAGACCAATATATAA-3'
Protein context (NP_000042.3, residues 1459-1479): GAWAFVLRDV[Ile1469Val]YTLIHYINQR